The following is an entry in ClinVar:

NM_015533.4(TKFC):c.344G>A (p.Arg115Gln)

Gene: TKFC (triokinase and FMN cyclase; plus strand). Cytogenetic location: 11q12.2.
Variant type: single nucleotide variant.
Coding change: c.344G>A on transcript NM_015533.4 (MANE Select); coding-DNA position 344, G replaced by A.
Protein change: p.Arg115Gln; replaces arginine 115 with glutamine.
Molecular consequence: missense variant.
Genome position (GRCh38, 1-based): chr11:61,339,293, G>A. VCF-style: chr11-61339293-G-A. GRCh37 (hg19) VCF-style: chr11-61106765-G-A.
Other names: c.344G>A, p.Arg115Gln (NM_001351976.2, NM_001351977.2, NM_001351978.2 and 1 more transcripts); c.134G>A, p.Arg45Gln (NM_001351980.2); short protein forms R115Q, R45Q.
Identifiers: ClinVar variation 2578659 (VCV002578659.25), dbSNP rs144902033, ClinGen allele CA6033672.

ClinVar aggregate classification (germline): Likely benign (1 of 4 stars; one submission).

Allele frequency attached by ClinVar (database versions not stated): 1000 Genomes Project 30x 0.00125; 1000 Genomes Project 0.00140; ESP Exome Variant Server 0.00238; ExAC 0.00243; TOPMed 0.00264; gnomAD 0.00291.
gnomAD v4.1: 6,389 of 1,613,852 alleles (0.4%); highest among the groups gnomAD compares: Non-Finnish European, 0.47%; 22 homozygotes.

Submission:

CeGaT Center for Human Genetics Tuebingen
Classification: Likely benign. Last evaluated: 2026-09-01. Review status: criteria provided, single submitter. Criteria: CeGaT Center For Human Genetics Tuebingen Variant Classification Criteria Version 2. Collection method: clinical testing. Allele origin: germline. Affected: yes. Observed: 7 variant alleles.
Comment: TKFC: BS2